The following is an entry in ClinVar:

ClinVar aggregate classification (germline): Uncertain significance (1 of 4 stars; one submission).

Submission:

GeneDx
Classification: Uncertain significance. Last evaluated: 2024-10-17. Review status: criteria provided, single submitter. Criteria: GeneDx Variant Classification Process June 2021. Collection method: clinical testing. Allele origin: germline. Affected: yes.
Comment: Not observed at significant frequency in large population cohorts (gnomAD); In silico analysis indicates that this missense variant does not alter protein structure/function; Has not been previously published as pathogenic or benign to our knowledge

NM_013444.4(UBQLN2):c.1555A>G (p.Thr519Ala)

Gene: UBQLN2 (ubiquilin 2; plus strand). Cytogenetic location: Xp11.21.
Variant type: single nucleotide variant.
Coding change: c.1555A>G on transcript NM_013444.4 (MANE Select); coding-DNA position 1555, A replaced by G.
Protein change: p.Thr519Ala; replaces threonine 519 with alanine.
Molecular consequence: missense variant.
Genome position (GRCh38, 1-based): chrX:56,565,428, A>G. VCF-style: chrX-56565428-A-G. GRCh37 (hg19) VCF-style: chrX-56591861-A-G.
Other names: short protein forms T519A.
Identifiers: ClinVar variation 3893388 (VCV003893388.1).